The following is an entry in ClinVar:

ClinVar aggregate classification (germline): Uncertain significance (1 of 4 stars; one submission).

Conditions:
Developmental and epileptic encephalopathy, 53. Also called: Epileptic encephalopathy, early infantile, 53. Identifiers: MedGen C4479313, MONDO:0033362, OMIM 617389.
Early-onset Parkinson disease 20. Also called: PARKINSON DISEASE 20, AUTOSOMAL RECESSIVE EARLY-ONSET. Identifiers: Orphanet 391411, MedGen C3809824, MONDO:0014233, OMIM 615530.

Allele frequency attached by ClinVar (database versions not stated): gnomAD 0.00001; gnomAD exomes 0.00001; TOPMed 0.00001.
gnomAD v4.1: 20 of 1,614,002 alleles (0.0012%); highest among the groups gnomAD compares: Non-Finnish European, 0.0017%; no homozygotes.

Submission:

Labcorp Genetics (formerly Invitae), Labcorp
Classification: Uncertain significance for Developmental and epileptic encephalopathy, 53; Early-onset Parkinson disease 20. Last evaluated: 2022-07-11. Review status: criteria provided, single submitter. Criteria: Invitae Variant Classification Sherloc (09022015). Collection method: clinical testing. Allele origin: germline.
Comment: In summary, the available evidence is currently insufficient to determine the role of this variant in disease. Therefore, it has been classified as a Variant of Uncertain Significance. Algorithms developed to predict the effect of missense changes on protein structure and function are either unavailable or do not agree on the potential impact of this missense change (SIFT: "Tolerated"; PolyPhen-2: "Probably Damaging"; Align-GVGD: "Class C0"). ClinVar contains an entry for this variant (Variation ID: 644595). This variant has not been reported in the literature in individuals affected with SYNJ1-related conditions. This variant is present in population databases (no rsID available, gnomAD 0.002%). This sequence change replaces threonine, which is neutral and polar, with asparagine, which is neutral and polar, at codon 895 of the SYNJ1 protein (p.Thr895Asn).

NM_203446.3(SYNJ1):c.2567C>A (p.Thr856Asn)

Gene: SYNJ1 (synaptojanin 1; minus strand). Cytogenetic location: 21q22.11.
Variant type: single nucleotide variant.
Coding change: c.2567C>A on transcript NM_203446.3 (MANE Select); coding-DNA position 2567, C replaced by A.
Protein change: p.Thr856Asn; replaces threonine 856 with asparagine.
Molecular consequence: missense variant.
Genome position (GRCh38, 1-based): chr21:32,657,015, G>T on the plus strand (C>A on the coding strand, the complement: SYNJ1 is on the minus strand). VCF-style: chr21-32657015-G-T. GRCh37 (hg19) VCF-style: chr21-34029325-G-T.
Other names: c.2567C>A, p.Thr856Asn (NM_001160302.2); c.2552C>A, p.Thr851Asn (NM_001160306.2); c.2684C>A, p.Thr895Asn (NM_003895.4); short protein forms T851N, T856N, T895N.
Identifiers: ClinVar variation 644595 (VCV000644595.9), dbSNP rs1191504880, ClinGen allele CA410074157.